The following is an entry in ClinVar:

ClinVar aggregate classification (germline): Conflicting classifications of pathogenicity. Review status: criteria provided, conflicting classifications (1 of 4 stars). 3 submissions from 3 submitters: Uncertain significance (1); Benign (1); Likely benign (1). Last evaluated 2024-09-14.

Conditions:
Cardiovascular phenotype. Identifiers: MedGen CN230736.
Long QT syndrome 13 (LQT13). Identifiers: Orphanet 101016, Orphanet 768, MedGen C3150733, MONDO:0013279, OMIM 613485.
Familial hyperaldosteronism type III. Also called: FH III; Familial hyperaldosteronism type 3. Identifiers: Orphanet 251274, MedGen C3838758, MONDO:0013359, OMIM 613677.
Long QT syndrome (LQTS). Identifiers: MedGen C0023976, MeSH D008133, MONDO:0002442. Disease mechanism: loss of function. Inheritance: Various modes of inheritance.

Allele frequency attached by ClinVar (database versions not stated): TOPMed 0.00001; ExAC 0.00003.
gnomAD v4.1: 27 of 1,600,746 alleles (0.0017%); highest among the groups gnomAD compares: South Asian, 0.022%; no homozygotes.

Submissions (3):

Ambry Genetics
Classification: Benign for Cardiovascular phenotype. Last evaluated: 2024-09-14. Review status: criteria provided, single submitter. Criteria: Ambry Variant Classification Scheme 2023. Collection method: clinical testing. Allele origin: germline.

Fulgent Genetics
Classification: Likely benign for Long QT syndrome 13; Familial hyperaldosteronism type III. Last evaluated: 2024-06-18. Review status: criteria provided, single submitter. Criteria: ACMG Guidelines, 2015. Collection method: clinical testing. Allele origin: germline.

Labcorp Genetics (formerly Invitae), Labcorp
Classification: Uncertain significance for Long QT syndrome. Last evaluated: 2022-10-10. Review status: criteria provided, single submitter. Criteria: Invitae Variant Classification Sherloc (09022015). Collection method: clinical testing. Allele origin: germline.
Comment: The frequency data for this variant in the population databases is considered unreliable, as metrics indicate poor data quality at this position in the gnomAD database. In summary, the available evidence is currently insufficient to determine the role of this variant in disease. Therefore, it has been classified as a Variant of Uncertain Significance. Advanced modeling of protein sequence and biophysical properties (such as structural, functional, and spatial information, amino acid conservation, physicochemical variation, residue mobility, and thermodynamic stability) performed at Invitae indicates that this missense variant is not expected to disrupt KCNJ5 protein function. This variant has not been reported in the literature in individuals affected with KCNJ5-related conditions. This sequence change replaces serine, which is neutral and polar, with leucine, which is neutral and non-polar, at codon 418 of the KCNJ5 protein (p.Ser418Leu).

NM_000890.5(KCNJ5):c.1253C>T (p.Ser418Leu)

Gene: KCNJ5 (potassium inwardly rectifying channel subfamily J member 5; plus strand). Cytogenetic location: 11q24.3.
Variant type: single nucleotide variant.
Coding change: c.1253C>T on transcript NM_000890.5 (MANE Select); coding-DNA position 1253, C replaced by T.
Protein change: p.Ser418Leu; replaces serine 418 with leucine.
Molecular consequence: missense variant.
Genome position (GRCh38, 1-based): chr11:128,916,724, C>T. VCF-style: chr11-128916724-C-T. GRCh37 (hg19) VCF-style: chr11-128786619-C-T.
Other names: c.1253C>T, p.Ser418Leu (NM_001354169.2); short protein forms S418L.
Identifiers: ClinVar variation 1761254 (VCV001761254.9), dbSNP rs111867535, ClinGen allele CA6358025.